The following is an entry in ClinVar:

NM_001004334.4(GPR179):c.1448C>T (p.Ala483Val)

Gene: GPR179 (G protein-coupled receptor 179; minus strand). Cytogenetic location: 17q12.
Variant type: single nucleotide variant.
Coding change: c.1448C>T on transcript NM_001004334.4 (MANE Select); coding-DNA position 1448, C replaced by T.
Protein change: p.Ala483Val; replaces alanine 483 with valine.
Molecular consequence: missense variant.
Genome position (GRCh38, 1-based): chr17:38,335,230, G>A on the plus strand (C>T on the coding strand, the complement: GPR179 is on the minus strand). VCF-style: chr17-38335230-G-A. GRCh37 (hg19) VCF-style: chr17-36491113-G-A.
Other names: short protein forms A483V.
Identifiers: ClinVar variation 2123392 (VCV002123392.4), dbSNP rs2512167878, ClinGen allele CA398886826.

ClinVar aggregate classification (germline): Uncertain significance (1 of 4 stars; one submission).

Submission:

Labcorp Genetics (formerly Invitae), Labcorp
Classification: Uncertain significance. Last evaluated: 2022-04-09. Review status: criteria provided, single submitter. Criteria: Invitae Variant Classification Sherloc (09022015). Collection method: clinical testing. Allele origin: germline.
Comment: In summary, the available evidence is currently insufficient to determine the role of this variant in disease. Therefore, it has been classified as a Variant of Uncertain Significance. Algorithms developed to predict the effect of missense changes on protein structure and function are either unavailable or do not agree on the potential impact of this missense change (SIFT: "Deleterious"; PolyPhen-2: "Benign"; Align-GVGD: "Class C0"). This variant has not been reported in the literature in individuals affected with GPR179-related conditions. This variant is not present in population databases (gnomAD no frequency). This sequence change replaces alanine, which is neutral and non-polar, with valine, which is neutral and non-polar, at codon 483 of the GPR179 protein (p.Ala483Val).